The following is an entry in ClinVar:

ClinVar aggregate classification (germline): Uncertain significance (1 of 4 stars; one submission).

Conditions:
Developmental delay with or without dysmorphic facies and autism. Identifiers: MedGen C5193106, MONDO:0032760, OMIM 618454.

Submission:

Victorian Clinical Genetics Services, Murdoch Childrens Research Institute
Classification: Uncertain significance for Developmental delay with or without dysmorphic facies and autism. Last evaluated: 2024-10-10. Review status: criteria provided, single submitter. Criteria: ACMG Guidelines, 2015. Collection method: clinical testing. Allele origin: germline. Inheritance: Autosomal dominant inheritance. Affected: yes.
Comment: Based on the classification scheme VCGS_Germline_v1.1.1, this variant is classified as VUS-3C. Following criteria are met: 0102 - Loss-of-function is a likely mechanism of disease for this gene. (N) 0107 - This gene is known to be associated with autosomal dominant disease. (N) 0211 - Canonical splice site variant without proven consequence on splicing (no functional evidence available) (intron 39 of 70). (P) 0251 - Variant is heterozygous. (N) 0301 - Variant is absent from gnomAD. (P) 0505 - Abnormal splicing is predicted by in silico tools and affected nucleotide is highly conserved. (P) 0705 - No comparable variants have previous evidence for pathogenicity. (N) 0807 - Variant has not previously been reported in a clinical context. (N) 0904 - Non-segregation has been clearly demonstrated. (B) 1007 - No published functional evidence has been identified for this variant. (N) Legend: (P) - Pathogenic, (N) - Neutral, (B) - Benign

NM_001375524.1(TRRAP):c.5937+2T>C

Gene: TRRAP (transformation/transcription domain associated protein; plus strand). Cytogenetic location: 7q22.1.
Variant type: single nucleotide variant.
Coding change: c.5937+2T>C on transcript NM_001375524.1 (MANE Select); the canonical splice donor site of the intron after coding-DNA position 5937, T replaced by C.
Molecular consequence: splice donor variant.
Genome position (GRCh38, 1-based): chr7:98,955,306, T>C. VCF-style: chr7-98955306-T-C. GRCh37 (hg19) VCF-style: chr7-98552929-T-C.
Other names: c.5916+2T>C (NM_001244580.2); c.5862+2T>C (NM_003496.4).
Identifiers: ClinVar variation 1806255 (VCV001806255.2), dbSNP rs2484874894, ClinGen allele CA368324537.